The following is an entry in ClinVar:

NM_138694.4(PKHD1):c.1842T>C (p.Cys614=)

Gene: PKHD1 (PKHD1 ciliary IPT domain containing fibrocystin/polyductin; minus strand). Cytogenetic location: 6p12.2.
Variant type: single nucleotide variant.
Coding change: c.1842T>C on transcript NM_138694.4 (MANE Select); coding-DNA position 1842, T replaced by C.
Protein change: p.Cys614=; no amino-acid change (cysteine 614 retained).
Molecular consequence: synonymous variant.
Genome position (GRCh38, 1-based): chr6:52,054,160, A>G on the plus strand (T>C on the coding strand, the complement: PKHD1 is on the minus strand). VCF-style: chr6-52054160-A-G. GRCh37 (hg19) VCF-style: chr6-51918958-A-G.
Other names: c.1842T>C, p.Cys614= (NM_170724.3); c.1842T>C (NM_138694.3).
Identifiers: ClinVar variation 1965874 (VCV001965874.7), dbSNP rs1490853804, ClinGen allele CA450419411.

ClinVar aggregate classification (germline): Likely benign. Review status: criteria provided, single submitter (1 of 4 stars). 2 submissions from 2 submitters: Likely benign (1). 1 of the submissions does not count toward it. Last evaluated 2023-09-27.

Conditions:
PKHD1-related disorder. Also called: PKHD1-related condition.
Autosomal recessive polycystic kidney disease (ARPKD). Also called: AR polycystic kidney disease. Identifiers: Orphanet 731, Orphanet 8378, MedGen C0085548, MeSH D017044, MONDO:0009889.

Allele frequency attached by ClinVar (database versions not stated): TOPMed below 0.00001.

Submissions (2):

Labcorp Genetics (formerly Invitae), Labcorp
Classification: Likely benign for Autosomal recessive polycystic kidney disease. Last evaluated: 2023-09-27. Review status: criteria provided, single submitter. Criteria: Invitae Variant Classification Sherloc (09022015). Collection method: clinical testing. Allele origin: germline.

PreventionGenetics, part of Exact Sciences
Classification: Likely benign for PKHD1-related condition. Last evaluated: 2021-11-03. Review status: no assertion criteria provided. Collection method: clinical testing. Allele origin: germline. Not counted in ClinVar's aggregate classification.
Comment: This variant is classified as likely benign based on ACMG/AMP sequence variant interpretation guidelines (Richards et al. 2015 PMID: 25741868, with internal and published modifications).